The following is an entry in ClinVar:

ClinVar aggregate classification (germline): Conflicting classifications of pathogenicity. Review status: criteria provided, conflicting classifications (1 of 4 stars). 3 submissions from 3 submitters: Uncertain significance (2); Likely benign (1). Last evaluated 2025-10-13.

Conditions:
Neuronal ceroid lipofuscinosis. Also called: Neuronal Ceroid Lipofuscinoses. Identifiers: Orphanet 216, Orphanet 79263, MedGen C0027877, MONDO:0016295. Disease mechanism: loss of function.

Allele frequency attached by ClinVar (database versions not stated): ExAC 0.00003; gnomAD exomes 0.00003 and 0.00007; TOPMed 0.00003; gnomAD 0.00006 and 0.00007; ESP Exome Variant Server 0.00008.
gnomAD v4.1: 121 of 1,614,048 alleles (0.0075%); highest among the groups gnomAD compares: East Asian, 0.029%; no homozygotes.

Submissions (3):

Labcorp Genetics (formerly Invitae), Labcorp
Classification: Likely benign for Neuronal ceroid lipofuscinosis. Last evaluated: 2025-10-13. Review status: criteria provided, single submitter. Criteria: Invitae Variant Classification Sherloc (09022015). Collection method: clinical testing. Allele origin: germline.

Women's Health and Genetics/Laboratory Corporation of America, LabCorp
Classification: Uncertain significance. Last evaluated: 2023-06-28. Review status: criteria provided, single submitter. Criteria: LabCorp Variant Classification Summary - May 2015. Collection method: clinical testing. Allele origin: germline.
Comment: Variant summary: DNAJC5 c.419C>T (p.Ala140Val) results in a non-conservative amino acid change in the encoded protein sequence. Three of five in-silico tools predict a benign effect of the variant on protein function. The variant allele was found at a frequency of 0.00017 in 359436 control chromosomes, predominantly at a frequency of 0.00048 (i.e., 52 heterozygotes) within the Japanese subpopulation in the jMorp and gnomAD databases (Tadaka_2021). Although the available data on variant occurrences in the general population are insufficient to allow any conclusion about variant significance, the allele frequency in the Japanese subpopulation suggests this variant may be benign. c.419C>T has been reported in the literature in at least one individual affected with early-onset Parkinson's disease (e.g., Li_2020), however without strong evidence for causality (e.g., lack of co-segregation and co-occurrence data). This report therefore does not provide unequivocal conclusions about association of the variant with Ceroid Lipofuscinosis, Neuronal, 4. To our knowledge, no experimental evidence demonstrating an impact on protein function has been reported. The following publications have been ascertained in the context of this evaluation (PMID: 32662538, 33179747). One submitter has reported clinical-significance assessments for this variant to ClinVar after 2014 and has classified the variant as likely benign. Based on the evidence outlined above, the variant was classified as VUS-possibly benign.

GeneDx
Classification: Uncertain significance. Last evaluated: 2014-12-16. Review status: criteria provided, single submitter. Criteria: GeneDx Variant Classification (06012015). Collection method: clinical testing. Allele origin: germline. Affected: yes.
Comment: p.Ala140Val (GCG>GTG): c.419 C>T in exon 4 of the DNAJC5 gene (NM_025219.2). The A140V variant has not been published as a mutation, nor has it been reported as a benign polymorphism to our knowledge. It was not observed with any significant frequency in approximately 6,500 individuals of European and African American ancestry in the NHLBI Exome Sequencing Project. The A140V variant is a semi-conservative amino acid substitution, which may impact secondary protein structure as these residues differ in some properties. This substitution occurs at a position that is conserved through mammals. In silico analysis is inconsistent in its predictions as to whether or not the variant is damaging to the protein structure/function. Therefore, based on the currently available information, it is unclear whether this variant is a pathogenic mutation or a rare benign variant. The variant is found in EPILEPSY panel(s).

Literature cited by the submitters: PubMed 33179747 (cited by Women's Health and Genetics/Laboratory Corporation of America, LabCorp); PubMed 32662538 (cited by Women's Health and Genetics/Laboratory Corporation of America, LabCorp).

NM_025219.3(DNAJC5):c.419C>T (p.Ala140Val)

Gene: DNAJC5 (DnaJ heat shock protein family (Hsp40) member C5; plus strand). Cytogenetic location: 20q13.33.
Variant type: single nucleotide variant.
Coding change: c.419C>T on transcript NM_025219.3 (MANE Select); coding-DNA position 419, C replaced by T.
Protein change: p.Ala140Val; replaces alanine 140 with valine.
Molecular consequence: missense variant.
Genome position (GRCh38, 1-based): chr20:63,930,948, C>T. VCF-style: chr20-63930948-C-T. GRCh37 (hg19) VCF-style: chr20-62562301-C-T.
Other names: p.A140V:GCG>GTG; short protein forms A140V.
Identifiers: ClinVar variation 205374 (VCV000205374.13), dbSNP rs144915847, ClinGen allele CA314387.